The following is an entry in ClinVar:

NM_001377334.1(PIK3C2B):c.4588-7A>G

Gene: PIK3C2B (phosphatidylinositol-4-phosphate 3-kinase catalytic subunit type 2 beta; minus strand). Cytogenetic location: 1q32.1.
Variant type: single nucleotide variant.
Coding change: c.4588-7A>G on transcript NM_001377334.1 (MANE Select); 7 bases into the intron before coding-DNA position 4588, A replaced by G.
Molecular consequence: intron variant.
Genome position (GRCh38, 1-based): chr1:204,425,748, T>C on the plus strand (A>G on the coding strand, the complement: PIK3C2B is on the minus strand). VCF-style: chr1-204425748-T-C. GRCh37 (hg19) VCF-style: chr1-204394876-T-C.
Other names: c.4504-7A>G (NM_001377335.1); c.4588-7A>G (NM_002646.4).
Identifiers: ClinVar variation 3033203 (VCV003033203.2), dbSNP rs560842694, ClinGen allele CA1347043.

ClinVar aggregate classification (germline): Likely benign (0 of 4 stars; one submission).

Conditions:
PIK3C2B-related disorder. Also called: PIK3C2B-related condition.

Allele frequency attached by ClinVar (database versions not stated): gnomAD 0.00007; ExAC 0.00011; TOPMed 0.00011; 1000 Genomes Project 0.00060; 1000 Genomes Project 30x 0.00062.
gnomAD v4.1: 37 of 1,609,706 alleles (0.0023%); highest among the groups gnomAD compares: East Asian, 0.011%; no homozygotes.

Submission:

PreventionGenetics, part of Exact Sciences
Classification: Likely benign for PIK3C2B-related condition. Last evaluated: 2019-06-14. Review status: no assertion criteria provided. Collection method: clinical testing. Allele origin: germline.
Comment: This variant is classified as likely benign based on ACMG/AMP sequence variant interpretation guidelines (Richards et al. 2015 PMID: 25741868, with internal and published modifications).